The following is an entry in ClinVar:

ClinVar aggregate classification (germline): Uncertain significance (1 of 4 stars; one submission).

Allele frequency attached by ClinVar (database versions not stated): ExAC 0.00008; ESP Exome Variant Server 0.00008; TOPMed 0.00008; gnomAD 0.00010; gnomAD exomes 0.00012.
gnomAD v4.1: 188 of 1,613,932 alleles (0.012%); highest among the groups gnomAD compares: Admixed American, 0.018%; no homozygotes.

Submission:

Labcorp Genetics (formerly Invitae), Labcorp
Classification: Uncertain significance. Last evaluated: 2026-01-05. Review status: criteria provided, single submitter. Criteria: Invitae Variant Classification Sherloc (09022015). Collection method: clinical testing. Allele origin: germline.
Comment: This sequence change replaces arginine, which is basic and polar, with histidine, which is basic and polar, at codon 178 of the MRPS7 protein (p.Arg178His). This variant is present in population databases (rs370949988, gnomAD 0.03%). This variant has not been reported in the literature in individuals affected with MRPS7-related conditions. ClinVar contains an entry for this variant (Variation ID: 2059765). Invitae Evidence Modeling of protein sequence and biophysical properties (such as structural, functional, and spatial information, amino acid conservation, physicochemical variation, residue mobility, and thermodynamic stability) indicates that this missense variant is not expected to disrupt MRPS7 protein function with a negative predictive value of 80%. In summary, the available evidence is currently insufficient to determine the role of this variant in disease. Therefore, it has been classified as a Variant of Uncertain Significance.

NM_015971.4(MRPS7):c.533G>A (p.Arg178His)

Gene: MRPS7 (mitochondrial ribosomal protein S7; plus strand). Cytogenetic location: 17q25.1.
Variant type: single nucleotide variant.
Coding change: c.533G>A on transcript NM_015971.4 (MANE Select); coding-DNA position 533, G replaced by A.
Protein change: p.Arg178His; replaces arginine 178 with histidine.
Molecular consequence: missense variant.
Genome position (GRCh38, 1-based): chr17:75,265,727, G>A. VCF-style: chr17-75265727-G-A. GRCh37 (hg19) VCF-style: chr17-73261808-G-A.
Other names: short protein forms R178H.
Identifiers: ClinVar variation 2059765 (VCV002059765.4), dbSNP rs370949988, ClinGen allele CA8760437.